The following is an entry in ClinVar:

NM_020066.5(FMN2):c.4589A>G (p.Asn1530Ser)

Gene: FMN2 (formin 2; plus strand). Cytogenetic location: 1q43.
Variant type: single nucleotide variant.
Coding change: c.4589A>G on transcript NM_020066.5 (MANE Select); coding-DNA position 4589, A replaced by G.
Protein change: p.Asn1530Ser; replaces asparagine 1530 with serine.
Molecular consequence: missense variant.
Genome position (GRCh38, 1-based): chr1:240,333,891, A>G. VCF-style: chr1-240333891-A-G. GRCh37 (hg19) VCF-style: chr1-240497191-A-G.
Other names: c.4601A>G, p.Asn1534Ser (NM_001305424.2); c.2510A>G, p.Asn837Ser (NM_001348094.2); short protein forms N1530S, N1534S, N837S.
Identifiers: ClinVar variation 2612471 (VCV002612471.2), dbSNP rs1400613022, ClinGen allele CA345656624.

ClinVar aggregate classification (germline): Uncertain significance (1 of 4 stars; one submission).

Conditions:
Inborn genetic diseases. Identifiers: MedGen C0950123, MeSH D030342.

Allele frequency attached by ClinVar (database versions not stated): gnomAD exomes below 0.00001; TOPMed below 0.00001; gnomAD 0.00001.
gnomAD v4.1: 2 of 1,605,410 alleles (0.00012%); highest among the groups gnomAD compares: African/African-American, 0.0013%; no homozygotes.

Submission:

Ambry Genetics
Classification: Uncertain significance for Inborn genetic diseases. Last evaluated: 2023-08-21. Review status: criteria provided, single submitter. Criteria: Ambry Variant Classification Scheme 2023. Collection method: clinical testing. Allele origin: germline.
Comment: The c.4589A>G (p.N1530S) alteration is located in exon 12 (coding exon 12) of the FMN2 gene. This alteration results from an A to G substitution at nucleotide position 4589, causing the asparagine (N) at amino acid position 1530 to be replaced by a serine (S). This variant was not reported in population-based cohorts in the Genome Aggregation Database (gnomAD). This nucleotide position is well conserved in available vertebrate species. This amino acid position is well conserved in available vertebrate species. The in silico prediction for this amino acid alteration is inconclusive. In silico splice site analysis predicts that this alteration will result in the creation or strengthening of a novel splice acceptor site. Based on insufficient or conflicting evidence, the clinical significance of this alteration remains unclear.